The following is an entry in ClinVar:

ClinVar aggregate classification (germline): Uncertain significance. Review status: criteria provided, multiple submitters, no conflicts (2 of 4 stars). 3 submissions from 3 submitters: Uncertain significance (3). Last evaluated 2025-01-27.

Conditions:
Emery-Dreifuss muscular dystrophy 4, autosomal dominant (EDMD4). Also called: EMERY-DREIFUSS MUSCULAR DYSTROPHY 4 WITH VARIABLE FEATURES. Identifiers: Orphanet 261, MedGen C2751807, MONDO:0013071, OMIM 612998.
Autosomal recessive ataxia, Beauce type. Also called: ATAXIA, RECESSIVE, OF BEAUCE; SYNE1 Deficiency; Spinocerebellar ataxia, autosomal recessive 8; SYNE1-Related Autosomal Recessive Cerebellar Ataxia. Identifiers: Orphanet 88644, MedGen C1853116, MONDO:0012549, OMIM 610743.

Allele frequency attached by ClinVar (database versions not stated): gnomAD 0.00001; gnomAD exomes 0.00001.
gnomAD v4.1: 15 of 1,614,068 alleles (0.00093%); highest among the groups gnomAD compares: Admixed American, 0.0017%; no homozygotes.

Submissions (3):

Labcorp Genetics (formerly Invitae), Labcorp
Classification: Uncertain significance for Emery-Dreifuss muscular dystrophy 4, autosomal dominant; Autosomal recessive ataxia, Beauce type. Last evaluated: 2025-01-27. Review status: criteria provided, single submitter. Criteria: Invitae Variant Classification Sherloc (09022015). Collection method: clinical testing. Allele origin: germline.
Comment: This sequence change replaces glutamic acid, which is acidic and polar, with alanine, which is neutral and non-polar, at codon 4179 of the SYNE1 protein (p.Glu4179Ala). This variant is not present in population databases (gnomAD no frequency). This variant has not been reported in the literature in individuals affected with SYNE1-related conditions. ClinVar contains an entry for this variant (Variation ID: 2436548). An algorithm developed to predict the effect of missense changes on protein structure and function (PolyPhen-2) suggests that this variant is likely to be disruptive. In summary, the available evidence is currently insufficient to determine the role of this variant in disease. Therefore, it has been classified as a Variant of Uncertain Significance.

Blueprint Genetics
Classification: Uncertain significance. Last evaluated: 2024-11-01. Review status: criteria provided, single submitter. Criteria: ACMG Guidelines, 2015. Collection method: clinical testing. Allele origin: germline.

Revvity Omics, Revvity
Classification: Uncertain significance. Last evaluated: 2020-09-02. Review status: criteria provided, single submitter. Criteria: ACMG Guidelines, 2015. Collection method: clinical testing. Allele origin: germline.

NM_182961.4(SYNE1):c.12749A>C (p.Glu4250Ala)

Gene: SYNE1 (spectrin repeat containing nuclear envelope protein 1; minus strand). Cytogenetic location: 6q25.2.
Variant type: single nucleotide variant.
Coding change: c.12749A>C on transcript NM_182961.4 (MANE Select); coding-DNA position 12749, A replaced by C.
Protein change: p.Glu4250Ala; replaces glutamic acid 4250 with alanine.
Molecular consequence: missense variant.
Genome position (GRCh38, 1-based): chr6:152,334,053, T>G on the plus strand (A>C on the coding strand, the complement: SYNE1 is on the minus strand). VCF-style: chr6-152334053-T-G. GRCh37 (hg19) VCF-style: chr6-152655188-T-G.
Other names: c.12536A>C, p.Glu4179Ala (NM_033071.5); short protein forms E4179A, E4250A.
Identifiers: ClinVar variation 2436548 (VCV002436548.5), dbSNP rs1001209044, ClinGen allele CA150181675.